The following is an entry in ClinVar:

ClinVar aggregate classification (germline): Pathogenic (1 of 4 stars; one submission).

Submission:

Labcorp Genetics (formerly Invitae), Labcorp
Classification: Pathogenic. Last evaluated: 2024-02-17. Review status: criteria provided, single submitter. Criteria: Invitae Variant Classification Sherloc (09022015). Collection method: clinical testing. Allele origin: germline.
Comment: This variant, c.6697_6699del, results in the deletion of 1 amino acid(s) of the ABCA4 protein (p.Glu2233del), but otherwise preserves the integrity of the reading frame. This variant is not present in population databases (gnomAD no frequency). This variant has been observed in individual(s) with Stargardt disease (PMID: 37705246; Invitae). This variant disrupts a region of the ABCA4 protein in which other variant(s) (p.Glu2233Val) have been observed in individuals with ABCA4-related conditions (PMID: 33369172, 35120629). This suggests that this is a clinically significant region of the protein, and that variants that disrupt it are likely to be disease-causing. For these reasons, this variant has been classified as Pathogenic.

Literature cited by the submitters: PubMed 37705246; PubMed 33369172; PubMed 35120629.

NM_000350.3(ABCA4):c.6694GAG[1] (p.Glu2233del)

Gene: ABCA4 (ATP binding cassette subfamily A member 4; minus strand). Cytogenetic location: 1p22.1.
Variant type: Microsatellite.
Coding change: c.6694GAG[1] on transcript NM_000350.3 (MANE Select); one copy of the 3-base unit GAG starting at c.6694; the reference has two copies in a row; one copy, 3 bases deleted.
Protein change: p.Glu2233del; deletes glutamic acid 2233.
Genome position (GRCh38, 1-based): chr1:93,997,891-93,997,893, CTC deleted on the plus strand (GAG on the coding strand, the reverse complement: ABCA4 is on the minus strand); deleting any 3 consecutive bases within chr1:93,997,891-93,997,896 gives the same sequence; the position shown is the placement nearest the transcript's 3' end. VCF-style (leftmost placement, unchanged base first): chr1-93997890-ACTC-A. GRCh37 (hg19) VCF-style: chr1-94463446-ACTC-A.
Other names: c.6472GAG[1], p.Glu2159del (NM_001425324.1); short protein forms E2159del, E2233del.
Identifiers: ClinVar variation 3641600 (VCV003641600.2).